The following is an entry in ClinVar:

ClinVar aggregate classification (germline): Uncertain significance (1 of 4 stars; one submission).

Conditions:
Catecholaminergic polymorphic ventricular tachycardia 1. Also called: VENTRICULAR TACHYCARDIA, STRESS-INDUCED POLYMORPHIC 1; RYR2-Related Catecholaminergic Polymorphic Ventricular Tachycardia; VENTRICULAR TACHYCARDIA, CATECHOLAMINERGIC POLYMORPHIC, 1, WITH OR WITHOUT ATRIAL DYSFUNCTION AND/OR DILATED CARDIOMYOPATHY. Identifiers: Orphanet 3286, MedGen C1631597, MONDO:0011484, OMIM 604772.

Submission:

Labcorp Genetics (formerly Invitae), Labcorp
Classification: Uncertain significance for Catecholaminergic polymorphic ventricular tachycardia 1. Last evaluated: 2025-12-02. Review status: criteria provided, single submitter. Criteria: Invitae Variant Classification Sherloc (09022015). Collection method: clinical testing. Allele origin: germline.
Comment: This sequence change replaces methionine, which is neutral and non-polar, with isoleucine, which is neutral and non-polar, at codon 1720 of the RYR2 protein (p.Met1720Ile). This variant is not present in population databases (gnomAD no frequency). This variant has not been reported in the literature in individuals affected with RYR2-related conditions. Invitae Evidence Modeling of protein sequence and biophysical properties (such as structural, functional, and spatial information, amino acid conservation, physicochemical variation, residue mobility, and thermodynamic stability) indicates that this missense variant is not expected to disrupt RYR2 protein function with a negative predictive value of 95%. In summary, the available evidence is currently insufficient to determine the role of this variant in disease. Therefore, it has been classified as a Variant of Uncertain Significance.

NM_001035.3(RYR2):c.5160G>A (p.Met1720Ile)

Gene: RYR2 (ryanodine receptor 2; plus strand). Cytogenetic location: 1q43.
Variant type: single nucleotide variant.
Coding change: c.5160G>A on transcript NM_001035.3 (MANE Select); coding-DNA position 5160, G replaced by A.
Protein change: p.Met1720Ile; replaces methionine 1720 with isoleucine.
Molecular consequence: missense variant.
Genome position (GRCh38, 1-based): chr1:237,614,288, G>A. VCF-style: chr1-237614288-G-A. GRCh37 (hg19) VCF-style: chr1-237777588-G-A.
Other names: short protein forms M1720I.
Identifiers: ClinVar variation 4800074 (VCV004800074.1).